The following is an entry in ClinVar:

NM_015338.6(ASXL1):c.3980C>A (p.Ala1327Asp)

Gene: ASXL1 (ASXL transcriptional regulator 1; plus strand). Cytogenetic location: 20q11.21.
Variant type: single nucleotide variant.
Coding change: c.3980C>A on transcript NM_015338.6 (MANE Select); coding-DNA position 3980, C replaced by A.
Protein change: p.Ala1327Asp; replaces alanine 1327 with aspartic acid.
Molecular consequence: missense variant.
Genome position (GRCh38, 1-based): chr20:32,436,692, C>A. VCF-style: chr20-32436692-C-A. GRCh37 (hg19) VCF-style: chr20-31024495-C-A.
Other names: c.3797C>A, p.Ala1266Asp (NM_001363734.1); short protein forms A1266D, A1327D.
Identifiers: ClinVar variation 5029831 (VCV005029831.1).

ClinVar aggregate classification (germline): Uncertain significance (1 of 4 stars; one submission).

Conditions:
Inborn genetic diseases. Identifiers: MedGen C0950123, MeSH D030342.

Submission:

Ambry Genetics
Classification: Uncertain significance for Inborn genetic diseases. Last evaluated: 2026-07-05. Review status: criteria provided, single submitter. Criteria: Ambry Variant Classification Scheme 2023. Collection method: clinical testing. Allele origin: germline.
Comment: The p.A1327D variant (also known as c.3980C>A), located in coding exon 13 of the ASXL1 gene, results from a C to A substitution at nucleotide position 3980. The alanine at codon 1327 is replaced by aspartic acid, an amino acid with dissimilar properties. This amino acid position is conserved. In addition, this alteration is predicted to be tolerated by in silico analysis. Based on the available evidence, the clinical significance of this variant remains unclear.